The following is an entry in ClinVar:

NM_024642.5(GALNT12):c.920C>T (p.Ser307Phe)

Gene: GALNT12 (polypeptide N-acetylgalactosaminyltransferase 12; plus strand). Cytogenetic location: 9q22.33.
Variant type: single nucleotide variant.
Coding change: c.920C>T on transcript NM_024642.5 (MANE Select); coding-DNA position 920, C replaced by T.
Protein change: p.Ser307Phe; replaces serine 307 with phenylalanine.
Molecular consequence: missense variant.
Genome position (GRCh38, 1-based): chr9:98,835,251, C>T. VCF-style: chr9-98835251-C-T. GRCh37 (hg19) VCF-style: chr9-101597533-C-T.
Other names: short protein forms S307F.
Identifiers: ClinVar variation 1766197 (VCV001766197.4), dbSNP rs1836109890, ClinGen allele CA374219323.

ClinVar aggregate classification (germline): Uncertain significance (1 of 4 stars; one submission).

Allele frequency attached by ClinVar (database versions not stated): TOPMed below 0.00001.

Submission:

Ambry Genetics
Classification: Uncertain significance. Last evaluated: 2025-02-13. Review status: criteria provided, single submitter. Criteria: Ambry Variant Classification Scheme 2023. Collection method: clinical testing. Allele origin: germline.
Comment: The p.S307F variant (also known as c.920C>T), located in coding exon 5 of the GALNT12 gene, results from a C to T substitution at nucleotide position 920. The serine at codon 307 is replaced by phenylalanine, an amino acid with highly dissimilar properties. This amino acid position is highly conserved in available vertebrate species. In addition, this alteration is predicted to be deleterious by in silico analysis. Since supporting evidence is limited at this time, the clinical significance of this alteration remains unclear.